The following is an entry in ClinVar:

NM_006205.3(PDE6H):c.59G>A (p.Arg20His)

Gene: PDE6H (phosphodiesterase 6H; plus strand). Cytogenetic location: 12p12.3.
Variant type: single nucleotide variant.
Coding change: c.59G>A on transcript NM_006205.3 (MANE Select); coding-DNA position 59, G replaced by A.
Protein change: p.Arg20His; replaces arginine 20 with histidine.
Molecular consequence: missense variant.
Genome position (GRCh38, 1-based): chr12:14,978,071, G>A. VCF-style: chr12-14978071-G-A. GRCh37 (hg19) VCF-style: chr12-15131005-G-A.
Other names: short protein forms R20H.
Identifiers: ClinVar variation 883446 (VCV000883446.12), dbSNP rs775561506, ClinGen allele CA384023911.

ClinVar aggregate classification (germline): Uncertain significance. Review status: criteria provided, multiple submitters, no conflicts (2 of 4 stars). 3 submissions from 3 submitters: Uncertain significance (3). Last evaluated 2024-01-19.

Conditions:
Achromatopsia 6. Also called: RETINAL CONE DYSTROPHY 3A; CONE DYSTROPHY WITH NIGHT BLINDNESS AND SUPERNORMAL ROD RESPONSES, PDE6H-RELATED. Identifiers: Orphanet 49382, MedGen C1864900, MONDO:0012398, OMIM 610024.

gnomAD v4.1: 10 of 1,613,512 alleles (0.00062%); highest among the groups gnomAD compares: African/African-American, 0.004%; no homozygotes.

Submissions (3):

Labcorp Genetics (formerly Invitae), Labcorp
Classification: Uncertain significance. Last evaluated: 2024-01-19. Review status: criteria provided, single submitter. Criteria: Invitae Variant Classification Sherloc (09022015). Collection method: clinical testing. Allele origin: germline.
Comment: This sequence change replaces arginine, which is basic and polar, with histidine, which is basic and polar, at codon 20 of the PDE6H protein (p.Arg20His). This variant is not present in population databases (gnomAD no frequency). This variant has not been reported in the literature in individuals affected with PDE6H-related conditions. ClinVar contains an entry for this variant (Variation ID: 883446). Algorithms developed to predict the effect of missense changes on protein structure and function output the following: SIFT: "Not Available"; PolyPhen-2: "Benign"; Align-GVGD: "Not Available". The histidine amino acid residue is found in multiple mammalian species, which suggests that this missense change does not adversely affect protein function. In summary, the available evidence is currently insufficient to determine the role of this variant in disease. Therefore, it has been classified as a Variant of Uncertain Significance.

Blueprint Genetics
Classification: Uncertain significance. Last evaluated: 2023-09-21. Review status: criteria provided, single submitter. Criteria: ACMG Guidelines, 2015. Collection method: clinical testing. Allele origin: germline.

Illumina Laboratory Services, Illumina
Classification: Uncertain significance for Achromatopsia 6. Last evaluated: 2018-01-13. Review status: criteria provided, single submitter. Criteria: ICSL Variant Classification Criteria 13 December 2019. Collection method: clinical testing. Allele origin: germline.